The following is an entry in ClinVar:

ClinVar aggregate classification (germline): Uncertain significance. Review status: criteria provided, multiple submitters, no conflicts (2 of 4 stars). 2 submissions from 2 submitters: Uncertain significance (2). Last evaluated 2026-08-11.

Conditions:
TNNI3K-related disorder. Also called: TNNI3K-related condition.

Allele frequency attached by ClinVar (database versions not stated): gnomAD 0.00001; TOPMed 0.00002; ESP Exome Variant Server 0.00008.
gnomAD v4.1: 8 of 1,613,942 alleles (0.0005%); highest among the groups gnomAD compares: Middle Eastern, 0.016%; no homozygotes.

Submissions (2):

PreventionGenetics, part of Exact Sciences
Classification: Uncertain significance for TNNI3K-related condition. Last evaluated: 2026-08-11. Review status: criteria provided, single submitter. Criteria: ACMG Guidelines, 2015. Collection method: clinical testing. Allele origin: germline.
Comment: The TNNI3K c.1135G>A variant is predicted to result in the amino acid substitution p.Glu379Lys. To our knowledge, this variant has not been reported in the literature. This variant is reported in 0.00088% of alleles in individuals of European (Non-Finnish) descent in gnomAD. At this time, the clinical significance of this variant is uncertain due to the absence of conclusive functional and genetic evidence.

Labcorp Genetics (formerly Invitae), Labcorp
Classification: Uncertain significance. Last evaluated: 2025-12-19. Review status: criteria provided, single submitter. Criteria: Invitae Variant Classification Sherloc (09022015). Collection method: clinical testing. Allele origin: germline.
Comment: This sequence change replaces glutamic acid, which is acidic and polar, with lysine, which is basic and polar, at codon 379 of the TNNI3K protein (p.Glu379Lys). This variant is present in population databases (rs377454541, gnomAD 0.0009%). This variant has not been reported in the literature in individuals affected with TNNI3K-related conditions. ClinVar contains an entry for this variant (Variation ID: 2175810). Invitae Evidence Modeling of protein sequence and biophysical properties (such as structural, functional, and spatial information, amino acid conservation, physicochemical variation, residue mobility, and thermodynamic stability) indicates that this missense variant is not expected to disrupt TNNI3K protein function with a negative predictive value of 80%. In summary, the available evidence is currently insufficient to determine the role of this variant in disease. Therefore, it has been classified as a Variant of Uncertain Significance.

NM_015978.3(TNNI3K):c.1135G>A (p.Glu379Lys)

Genes: TNNI3K (TNNI3 interacting kinase; plus strand), FPGT-TNNI3K (FPGT-TNNI3K readthrough; plus strand). Cytogenetic location: 1p31.1.
Variant type: single nucleotide variant.
Coding change: c.1135G>A on transcript NM_015978.3 (MANE Select); coding-DNA position 1135, G replaced by A.
Protein change: p.Glu379Lys; replaces glutamic acid 379 with lysine.
Molecular consequence: missense variant.
Genome position (GRCh38, 1-based): chr1:74,354,087, G>A. VCF-style: chr1-74354087-G-A. GRCh37 (hg19) VCF-style: chr1-74819771-G-A.
Other names: c.1438G>A, p.Glu480Lys (NM_001112808.3, NM_001199327.2); c.1135G>A (NM_015978.2); short protein forms E379K, E480K.
Identifiers: ClinVar variation 2175810 (VCV002175810.5), dbSNP rs377454541, ClinGen allele CA24534490.